The following is an entry in ClinVar:

ClinVar aggregate classification (germline): Uncertain significance (1 of 4 stars; one submission).

Conditions:
Inborn genetic diseases. Identifiers: MedGen C0950123, MeSH D030342.

Allele frequency attached by ClinVar (database versions not stated): ExAC 0.00001; gnomAD 0.00001; TOPMed 0.00001; ESP Exome Variant Server 0.00009.
gnomAD v4.1: 1 of 1,209,842 alleles (0.000083%); highest among the groups gnomAD compares: African/African-American, 0.0018%; no homozygotes.

Submission:

Ambry Genetics
Classification: Uncertain significance for Inborn genetic diseases. Last evaluated: 2021-01-06. Review status: criteria provided, single submitter. Criteria: Ambry Variant Classification Scheme 2023. Collection method: clinical testing. Allele origin: germline.
Comment: The c.2407C>T (p.L803F) alteration is located in exon 4 (coding exon 3) of the BCOR gene. This alteration results from a C to T substitution at nucleotide position 2407, causing the leucine (L) at amino acid position 803 to be replaced by a phenylalanine (F). The p.L803F alteration is predicted to be tolerated by in silico analysis. Based on insufficient or conflicting evidence, the clinical significance of this alteration remains unclear.

NM_001123385.2(BCOR):c.2407C>T (p.Leu803Phe)

Gene: BCOR (BCL6 corepressor; minus strand). Cytogenetic location: Xp11.4.
Variant type: single nucleotide variant.
Coding change: c.2407C>T on transcript NM_001123385.2 (MANE Select); coding-DNA position 2407, C replaced by T.
Protein change: p.Leu803Phe; replaces leucine 803 with phenylalanine.
Molecular consequence: missense variant.
Genome position (GRCh38, 1-based): chrX:40,072,939, G>A on the plus strand (C>T on the coding strand, the complement: BCOR is on the minus strand). VCF-style: chrX-40072939-G-A. GRCh37 (hg19) VCF-style: chrX-39932192-G-A.
Other names: c.2407C>T, p.Leu803Phe (NM_001123383.2, NM_001123384.2, NM_017745.6); short protein forms L803F.
Identifiers: ClinVar variation 2228707 (VCV002228707.2), dbSNP rs376728674, ClinGen allele CA10386794.